The following is an entry in ClinVar:

ClinVar aggregate classification (germline): Uncertain significance. Review status: criteria provided, multiple submitters, no conflicts (2 of 4 stars). 2 submissions from 2 submitters: Uncertain significance (2). Last evaluated 2024-12-21.

Conditions:
Imerslund-Grasbeck syndrome. Also called: PERNICIOUS ANEMIA, JUVENILE, DUE TO SELECTIVE INTESTINAL MALABSORPTION OF VITAMIN B12, WITH PROTEINURIA; ENTEROCYTE COBALAMIN MALABSORPTION; ENTEROCYTE INTRINSIC FACTOR RECEPTOR, DEFECT OF; Megaloblastic anemia due to inborn errors of metabolism; Imerslund-Gräsbeck syndrome. Identifiers: Orphanet 35858, MedGen C4551825, MONDO:0009853.

Allele frequency attached by ClinVar (database versions not stated): gnomAD 0.00002; gnomAD exomes 0.00002; TOPMed 0.00003; ExAC 0.00007.
gnomAD v4.1: 42 of 1,613,440 alleles (0.0026%); highest among the groups gnomAD compares: East Asian, 0.02%; no homozygotes.

Submissions (2):

Labcorp Genetics (formerly Invitae), Labcorp
Classification: Uncertain significance for Imerslund-Grasbeck syndrome. Last evaluated: 2024-12-21. Review status: criteria provided, single submitter. Criteria: Invitae Variant Classification Sherloc (09022015). Collection method: clinical testing. Allele origin: germline.
Comment: This sequence change replaces threonine, which is neutral and polar, with methionine, which is neutral and non-polar, at codon 2797 of the CUBN protein (p.Thr2797Met). This variant is present in population databases (rs749048435, gnomAD 0.02%). This variant has not been reported in the literature in individuals affected with CUBN-related conditions. ClinVar contains an entry for this variant (Variation ID: 2154944). An algorithm developed to predict the effect of missense changes on protein structure and function outputs the following: PolyPhen-2: "Possibly Damaging". The methionine amino acid residue is found in multiple mammalian species, which suggests that this missense change does not adversely affect protein function. In summary, the available evidence is currently insufficient to determine the role of this variant in disease. Therefore, it has been classified as a Variant of Uncertain Significance.

Blueprint Genetics
Classification: Uncertain significance. Last evaluated: 2024-06-17. Review status: criteria provided, single submitter. Criteria: ACMG Guidelines, 2015. Collection method: clinical testing. Allele origin: germline.

NM_001081.4(CUBN):c.8390C>T (p.Thr2797Met)

Gene: CUBN (cubilin; minus strand). Cytogenetic location: 10p13.
Variant type: single nucleotide variant.
Coding change: c.8390C>T on transcript NM_001081.4 (MANE Select); coding-DNA position 8390, C replaced by T.
Protein change: p.Thr2797Met; replaces threonine 2797 with methionine.
Molecular consequence: missense variant.
Genome position (GRCh38, 1-based): chr10:16,900,645, G>A on the plus strand (C>T on the coding strand, the complement: CUBN is on the minus strand). VCF-style: chr10-16900645-G-A. GRCh37 (hg19) VCF-style: chr10-16942644-G-A.
Other names: short protein forms T2797M.
Identifiers: ClinVar variation 2154944 (VCV002154944.5), dbSNP rs749048435, ClinGen allele CA5423057.
Genomic context (GRCh38, chr10:16,900,645, plus strand): 5'-CACTAAAAAGAAAATCAAATGGAGCAAACATTTCTTTTACCTAAAGTTTGTGTGTTCCAC[G>A]TAGCATAAAATCCACCACCTTGCAATGAATGGTCTGAGTTAAAAGTCACGACCAGCTGAT-3'
Protein context (NP_001072.2, residues 2787-2807): HSLQGGGFYA[Thr2797Met]WNTQTLGCGG